The following is an entry in ClinVar:

NM_001378615.1(CC2D2A):c.4066-11_4066-10del

Genes: CC2D2A (coiled-coil and C2 domain containing 2A; plus strand), FBXL5 (F-box and leucine rich repeat protein 5; minus strand). Cytogenetic location: 4p15.32.
Variant type: Deletion.
Coding change: c.4066-11_4066-10del on transcript NM_001378615.1 (MANE Select); 11 bases into the intron before coding-DNA position 4066 through 10 bases into the intron before coding-DNA position 4066, 2 bases deleted (CT; older notation c.4066-11_4066-10delCT).
Molecular consequence: intron variant.
Genome position (GRCh38, 1-based): chr4:15,587,805-15,587,806, CT deleted; deleting any 2 consecutive bases within chr4:15,587,804-15,587,806 gives the same sequence; the c. name uses the placement nearest the transcript's 3' end. VCF-style (leftmost placement, unchanged base first): chr4-15587803-TTC-T. GRCh37 (hg19) VCF-style: chr4-15589426-TTC-T.
Other names: c.4066-11_4066-10delCT (NM_001080522.2); c.4066-11_4066-10del (NM_001080522.2); c.3919-11_3919-10del (NM_001378617.1).
Identifiers: ClinVar variation 2938126 (VCV002938126.4), dbSNP rs778005768, ClinGen allele CA2864314.

ClinVar aggregate classification (germline): Likely benign. Review status: criteria provided, multiple submitters, no conflicts (2 of 4 stars). 2 submissions from 2 submitters: Likely benign (2). Last evaluated 2026-09-01.

Conditions:
Joubert syndrome. Also called: JOUBERT-BOLTSHAUSER SYNDROME; Familial aplasia of the vermis. Identifiers: Orphanet 475, MedGen C5979921, MONDO:0018772.
Meckel-Gruber syndrome. Also called: DYSENCEPHALIA SPLANCHNOCYSTICA; GRUBER SYNDROME; Dysencephalia splachnocystica. Identifiers: Orphanet 564, MedGen C0265215, MONDO:0018921.
CC2D2A-related disorder. Also called: CC2D2A-related condition; CC2D2A-related disorders. Identifiers: MedGen CN239313.

Submissions (2):

PreventionGenetics, part of Exact Sciences
Classification: Likely benign for CC2D2A-related condition. Last evaluated: 2026-09-01. Review status: criteria provided, single submitter. Criteria: ACMG Guidelines, 2015. Collection method: clinical testing. Allele origin: germline.
Comment: This variant is classified as likely benign based on ACMG/AMP sequence variant interpretation guidelines (Richards et al. 2015 PMID: 25741868, with internal and published modifications).

Labcorp Genetics (formerly Invitae), Labcorp
Classification: Likely benign for Joubert syndrome; Meckel-Gruber syndrome. Last evaluated: 2024-01-29. Review status: criteria provided, single submitter. Criteria: Invitae Variant Classification Sherloc (09022015). Collection method: clinical testing. Allele origin: germline.